The following is an entry in ClinVar:

ClinVar aggregate classification (germline): Uncertain significance (1 of 4 stars; one submission).

Conditions:
Cardiovascular phenotype. Identifiers: MedGen CN230736.

Allele frequency attached by ClinVar (database versions not stated): TOPMed below 0.00001.
gnomAD v4.1: 1 of 1,614,094 alleles (0.000062%); highest among the groups gnomAD compares: Non-Finnish European, 0.000085%; no homozygotes.

Submission:

Ambry Genetics
Classification: Uncertain significance for Cardiovascular phenotype. Last evaluated: 2023-04-24. Review status: criteria provided, single submitter. Criteria: Ambry Variant Classification Scheme 2023. Collection method: clinical testing. Allele origin: germline.
Comment: The p.I1225L variant (also known as c.3673A>C), located in coding exon 20 of the SCN10A gene, results from an A to C substitution at nucleotide position 3673. The isoleucine at codon 1225 is replaced by leucine, an amino acid with highly similar properties. This amino acid position is conserved. In addition, the in silico prediction for this alteration is inconclusive. Since supporting evidence is limited at this time, the clinical significance of this alteration remains unclear.

NM_006514.4(SCN10A):c.3673A>C (p.Ile1225Leu)

Gene: SCN10A (sodium voltage-gated channel alpha subunit 10; minus strand). Cytogenetic location: 3p22.2.
Variant type: single nucleotide variant.
Coding change: c.3673A>C on transcript NM_006514.4 (MANE Select); coding-DNA position 3673, A replaced by C.
Protein change: p.Ile1225Leu; replaces isoleucine 1225 with leucine.
Molecular consequence: missense variant.
Genome position (GRCh38, 1-based): chr3:38,718,661, T>G on the plus strand (A>C on the coding strand, the complement: SCN10A is on the minus strand). VCF-style: chr3-38718661-T-G. GRCh37 (hg19) VCF-style: chr3-38760152-T-G.
Other names: c.3670A>C, p.Ile1224Leu (NM_001293306.2); c.3379A>C, p.Ile1127Leu (NM_001293307.2); short protein forms I1224L, I1127L, I1225L.
Identifiers: ClinVar variation 2563711 (VCV002563711.2), dbSNP rs1482614372, ClinGen allele CA352152732.
Genomic context (GRCh38, chr3:38,718,661, plus strand): 5'-GGAGTCAGAGGGGAGGACCCCAAACCCCACGTGTTCCCACTGAGCCACTCACATTCACAA[T>G]GAGGAAGTCCAGCCAGCACCAGGCATTGGTGAAGTACTTTTTGAAGCCATAGGCCACCCA-3'
Protein context (NP_006505.4, residues 1215-1235): TNAWCWLDFL[Ile1225Leu]VNISLISLTA